The following is an entry in ClinVar:

ClinVar aggregate classification (germline): Uncertain significance (1 of 4 stars; one submission).

Submission:

Women's Health and Genetics/Laboratory Corporation of America, LabCorp
Classification: Uncertain significance. Last evaluated: 2024-08-09. Review status: criteria provided, single submitter. Criteria: LabCorp Variant Classification Summary - May 2015. Collection method: clinical testing. Allele origin: germline.
Comment: Variant summary: The variant involves the duplication of exons 4-7 in the CYP21A2 gene. A presumed nomenclature of c.(447+1_448-1)_(939+1_940-1)dup has been designated for the purposes of this classification. It is assumed to be a tandem duplication in direct orientation (PMIDs: 25640679, 30054569). This Copy Number Variant (CNV) is predicted to result in an in-frame duplication within this gene. Duplication of exon 4-7 was not found in the gnomAD database (Structural Variants v2.1 dataset). To our knowledge, no occurrence of c.(447+1_448-1)_(939+1_940-1)dup in individuals affected with Congenital Adrenal Hyperplasia and no experimental evidence demonstrating its impact on protein function have been reported. No submitters have cited clinical-significance assessments for this variant to ClinVar. Based on the evidence outlined above, the variant was classified as uncertain significance.

NC_000006.11:g.(32007026_32007132)_(32007983_32008182)dup

Gene: CYP21A2 (cytochrome P450 family 21 subfamily A member 2; plus strand). Cytogenetic location: 6p21.33.
Variant type: Duplication.
Identifiers: ClinVar variation 3366362 (VCV003366362.1).